The following is an entry in ClinVar:

ClinVar aggregate classification (germline): Uncertain significance (1 of 4 stars; one submission).

Submission:

Labcorp Genetics (formerly Invitae), Labcorp
Classification: Uncertain significance. Last evaluated: 2023-10-07. Review status: criteria provided, single submitter. Criteria: Invitae Variant Classification Sherloc (09022015). Collection method: clinical testing. Allele origin: germline.
Comment: This sequence change replaces proline, which is neutral and non-polar, with serine, which is neutral and polar, at codon 925 of the GRIN2D protein (p.Pro925Ser). The frequency data for this variant in the population databases is considered unreliable, as metrics indicate insufficient coverage at this position in the gnomAD database. This variant has not been reported in the literature in individuals affected with GRIN2D-related conditions. Advanced modeling of protein sequence and biophysical properties (such as structural, functional, and spatial information, amino acid conservation, physicochemical variation, residue mobility, and thermodynamic stability) performed at Invitae indicates that this missense variant is not expected to disrupt GRIN2D protein function. In summary, the available evidence is currently insufficient to determine the role of this variant in disease. Therefore, it has been classified as a Variant of Uncertain Significance.

NM_000836.4(GRIN2D):c.2773C>T (p.Pro925Ser)

Gene: GRIN2D (glutamate ionotropic receptor NMDA type subunit 2D; plus strand). Cytogenetic location: 19q13.33.
Variant type: single nucleotide variant.
Coding change: c.2773C>T on transcript NM_000836.4 (MANE Select); coding-DNA position 2773, C replaced by T.
Protein change: p.Pro925Ser; replaces proline 925 with serine.
Molecular consequence: missense variant.
Genome position (GRCh38, 1-based): chr19:48,442,699, C>T. VCF-style: chr19-48442699-C-T. GRCh37 (hg19) VCF-style: chr19-48945956-C-T.
Other names: short protein forms P925S.
Identifiers: ClinVar variation 2862192 (VCV002862192.3), dbSNP rs2513691811, ClinGen allele CA406673579.
Genomic context (GRCh38, chr19:48,442,699, plus strand): 5'-CCCGCCAAGCCCCCGCCGCCGCCACAGCCCCTGCCCAGCCCCGCGTACCCCGCGCCGCGG[C>T]CGGCTCCCGGGCCCGCACCTTTCGTGCCCCGCGAGCGCGCCTCAGTGGACCGCTGGCGCC-3'
Protein context (NP_000827.2, residues 915-935): LPSPAYPAPR[Pro925Ser]APGPAPFVPR